The following is an entry in ClinVar:

NM_000264.5(PTCH1):c.28C>G (p.Pro10Ala)

Genes: PTCH1 (patched 1; minus strand), LOC130002133 (ATAC-STARR-seq lymphoblastoid silent region 20071; plus strand). Cytogenetic location: 9q22.32.
Variant type: single nucleotide variant.
Coding change: c.28C>G on transcript NM_000264.5 (MANE Select); coding-DNA position 28, C replaced by G.
Protein change: p.Pro10Ala; replaces proline 10 with alanine.
Molecular consequence: missense variant. On other transcripts: non-coding transcript variant (1), intron variant (3).
Genome position (GRCh38, 1-based): chr9:95,508,334, G>C on the plus strand (C>G on the coding strand, the complement: PTCH1 is on the minus strand). VCF-style: chr9-95508334-G-C. GRCh37 (hg19) VCF-style: chr9-98270616-G-C.
Other names: c.28C>G, p.Pro10Ala (NM_001354918.2); c.199-1735C>G (NM_001083603.3); c.4-1735C>G (NM_001083602.3, NM_001354919.2); short protein forms P10A.
Identifiers: ClinVar variation 839291 (VCV000839291.13), dbSNP rs1587701162, ClinGen allele CA374121632.
Genomic context (GRCh38, chr9:95,508,334, plus strand): 5'-CTCCAGCCGGCCGTCCCGGGGCACCGATACAGCCGCTGCCGCCGCCGCCGCGGTCCTGGG[G>C]CTCGGCGGCGTTACCAGCCGAGGCCATGTTGCCGCCGCCGCCGCCGCCGCCGCGGGGACG-3'
Protein context (NP_000255.2, residues 1-20): MASAGNAAE[Pro10Ala]QDRGGGGSGC

ClinVar aggregate classification (germline): Conflicting classifications of pathogenicity. Review status: criteria provided, conflicting classifications (1 of 4 stars). 2 submissions from 2 submitters: Uncertain significance (1); Likely benign (1). Last evaluated 2025-04-06.

Conditions:
Gorlin syndrome. Also called: Basal cell nevus syndrome; Nevoid Basal Cell Carcinoma Syndrome. Identifiers: Orphanet 377, MedGen C0004779, MONDO:0007187.
Hereditary cancer-predisposing syndrome. Also called: Neoplastic Syndromes, Hereditary; Hereditary neoplastic syndrome; Tumor predisposition; Hereditary Cancer Syndrome. Identifiers: Orphanet 140162, MedGen C0027672, MeSH D009386, MONDO:0015356.

Allele frequency attached by ClinVar (database versions not stated): TOPMed below 0.00001; gnomAD 0.00001.

Submissions (2):

Labcorp Genetics (formerly Invitae), Labcorp
Classification: Uncertain significance for Gorlin syndrome. Last evaluated: 2025-04-06. Review status: criteria provided, single submitter. Criteria: Invitae Variant Classification Sherloc (09022015). Collection method: clinical testing. Allele origin: germline.
Comment: This sequence change replaces proline, which is neutral and non-polar, with alanine, which is neutral and non-polar, at codon 10 of the PTCH1 protein (p.Pro10Ala). This variant is not present in population databases (gnomAD no frequency). This variant has not been reported in the literature in individuals affected with PTCH1-related conditions. ClinVar contains an entry for this variant (Variation ID: 839291). Invitae Evidence Modeling of protein sequence and biophysical properties (such as structural, functional, and spatial information, amino acid conservation, physicochemical variation, residue mobility, and thermodynamic stability) indicates that this missense variant is not expected to disrupt PTCH1 protein function with a negative predictive value of 95%. In summary, the available evidence is currently insufficient to determine the role of this variant in disease. Therefore, it has been classified as a Variant of Uncertain Significance.

Ambry Genetics
Classification: Likely benign for Hereditary cancer-predisposing syndrome. Last evaluated: 2024-12-27. Review status: criteria provided, single submitter. Criteria: Ambry Variant Classification Scheme 2023. Collection method: clinical testing. Allele origin: germline.